The following is an entry in ClinVar:

ClinVar aggregate classification (germline): Uncertain significance (1 of 4 stars; one submission).

Submission:

Labcorp Genetics (formerly Invitae), Labcorp
Classification: Uncertain significance. Last evaluated: 2025-05-11. Review status: criteria provided, single submitter. Criteria: Invitae Variant Classification Sherloc (09022015). Collection method: clinical testing. Allele origin: germline.
Comment: This sequence change replaces asparagine, which is neutral and polar, with aspartic acid, which is acidic and polar, at codon 372 of the KCNK4 protein (p.Asn372Asp). This variant is not present in population databases (gnomAD no frequency). This variant has not been reported in the literature in individuals affected with KCNK4-related conditions. Experimental studies and prediction algorithms are not available or were not evaluated, and the functional significance of this variant is currently unknown. In summary, the available evidence is currently insufficient to determine the role of this variant in disease. Therefore, it has been classified as a Variant of Uncertain Significance.

NM_033310.3(KCNK4):c.1114A>G (p.Asn372Asp)

Genes: KCNK4 (potassium two pore domain channel subfamily K member 4; plus strand), KCNK4-CATSPERZ (KCNK4-CATSPERZ readthrough (NMD candidate); plus strand). Cytogenetic location: 11q13.1.
Variant type: single nucleotide variant.
Coding change: c.1114A>G on transcript NM_033310.3 (MANE Select); coding-DNA position 1114, A replaced by G.
Protein change: p.Asn372Asp; replaces asparagine 372 with aspartic acid.
Molecular consequence: missense variant. On other transcripts: non-coding transcript variant (3).
Genome position (GRCh38, 1-based): chr11:64,299,658, A>G. VCF-style: chr11-64299658-A-G. GRCh37 (hg19) VCF-style: chr11-64067130-A-G.
Other names: c.1114A>G, p.Asn372Asp (NM_001317090.2); short protein forms N372D.
Identifiers: ClinVar variation 4797388 (VCV004797388.1).